The following is an entry in ClinVar:

NM_000441.2(SLC26A4):c.502G>T (p.Gly168Ter)

Gene: SLC26A4 (solute carrier family 26 member 4; plus strand). Cytogenetic location: 7q22.3.
Variant type: single nucleotide variant.
Coding change: c.502G>T on transcript NM_000441.2 (MANE Select); coding-DNA position 502, G replaced by T.
Protein change: p.Gly168Ter; replaces glycine 168 with a stop codon.
Molecular consequence: nonsense.
Genome position (GRCh38, 1-based): chr7:107,674,250, G>T. VCF-style: chr7-107674250-G-T. GRCh37 (hg19) VCF-style: chr7-107314695-G-T.
Other names: short protein forms G168*.
Identifiers: ClinVar variation 3601777 (VCV003601777.1).

ClinVar aggregate classification (germline): Pathogenic (1 of 4 stars; one submission).

Conditions:
Autosomal recessive nonsyndromic hearing loss 4 (DFNB4). Also called: Deafness, autosomal recessive 4; FOXI1-Related Pendred Syndrome; KCNJ10-Related Pendred Syndrome; DEAFNESS, AUTOSOMAL RECESSIVE 4, WITH ENLARGED VESTIBULAR AQUEDUCT, DIGENIC; NEUROSENSORY NONSYNDROMIC RECESSIVE DEAFNESS 4; Nonsyndromic enlarged vestibular aqueduct (NSEVA). Identifiers: Orphanet 90636, MedGen C3538946, MONDO:0010933, OMIM 600791.

Submission:

Institute of Rare Diseases, West China Hospital, Sichuan University
Classification: Pathogenic for Autosomal recessive nonsyndromic hearing loss 4. Last evaluated: 2025-01-09. Review status: criteria provided, single submitter. Criteria: ClinGen HL ACMG Specifications v1. Collection method: research. Allele origin: germline. Affected: yes.
Comment: PVS1;PM3;PM2_Supporting